The following is an entry in ClinVar:

ClinVar aggregate classification (germline): Pathogenic (1 of 4 stars; one submission).

Submission:

Labcorp Genetics (formerly Invitae), Labcorp
Classification: Pathogenic. Last evaluated: 2022-08-26. Review status: criteria provided, single submitter. Criteria: Invitae Variant Classification Sherloc (09022015). Collection method: clinical testing. Allele origin: germline.
Comment: This variant results in the deletion of part of exon 1 (c.19_1357-780delinsCATTTG) of the KCNV2 gene. While this variant is not anticipated to result in nonsense mediated decay, it likely alters RNA splicing and results in a disrupted protein product. This variant has been observed in individuals with cone dystrophy with supernormal rod response (PMID: 21882291). This variant is also known as c.19_1356+9571delinsCATTTG. Variants that disrupt the consensus splice site are a relatively common cause of aberrant splicing (PMID: 17576681, 9536098). This variant disrupts a region of the KCNV2 protein in which other variant(s) (p.Trp188Arg) have been determined to be pathogenic (PMID: 28041643, 28341476, 32154435). This suggests that this is a clinically significant region of the protein, and that variants that disrupt it are likely to be disease-causing. For these reasons, this variant has been classified as Pathogenic.

Literature cited by the submitters: PubMed 21882291; PubMed 17576681; PubMed 9536098; PubMed 28041643; PubMed 28341476; PubMed 32154435.

NC_000009.11:g.(?_2717758)_(2728666_?)del

Gene: KCNV2 (potassium voltage-gated channel modifier subfamily V member 2; plus strand). Cytogenetic location: 9p24.2.
Variant type: Deletion.
Identifiers: ClinVar variation 2427219 (VCV002427219.3).